The following is an entry in ClinVar:

NM_001020658.2(PUM1):c.2405C>T (p.Ser802Phe)

Gene: PUM1 (pumilio RNA binding family member 1; minus strand). Cytogenetic location: 1p35.2.
Variant type: single nucleotide variant.
Coding change: c.2405C>T on transcript NM_001020658.2 (MANE Select); coding-DNA position 2405, C replaced by T.
Protein change: p.Ser802Phe; replaces serine 802 with phenylalanine.
Molecular consequence: missense variant.
Genome position (GRCh38, 1-based): chr1:30,953,900, G>A on the plus strand (C>T on the coding strand, the complement: PUM1 is on the minus strand). VCF-style: chr1-30953900-G-A. GRCh37 (hg19) VCF-style: chr1-31426747-G-A.
Other names: c.2405C>T, p.Ser802Phe (NM_014676.3); short protein forms S802F.
Identifiers: ClinVar variation 973000 (VCV000973000.4), dbSNP rs1640045849, ClinGen allele CA339564757.
Genomic context (GRCh38, chr1:30,953,900, plus strand): 5'-GACATTCCATATCGCAAACGAGAGGAAGAGAAAAGAGTGCTGCTCGGGCTGAAGAGGCTG[G>A]AGGCGCTGCTTGCACTGCGGTACTTGGCTTCAGCGCCTGGAGCAGCAGAGATGTATCTTC-3'
Protein context (NP_001018494.1, residues 792-812): EAKYRSASSA[Ser802Phe]SLFSPSSTLF

ClinVar aggregate classification (germline): Uncertain significance (1 of 4 stars; one submission).

Conditions:
Spinocerebellar ataxia 47 (NEDMSF). Also called: PADDAS SYNDROME; neurodevelopmental disorder with motor abnormalities, seizures, and facial dysmorphism. Identifiers: Orphanet 642747, MedGen C4693672, MONDO:0033482, OMIM 620719.

Submission:

GeneDx
Classification: Uncertain significance. Last evaluated: 2019-12-10. Review status: criteria provided, single submitter. Criteria: GeneDx Variant Classification Process June 2021. Collection method: clinical testing. Allele origin: germline. Affected: yes.
Comment: Not observed in large population cohorts (Lek et al., 2016); In silico analysis, which includes protein predictors and evolutionary conservation, supports a deleterious effect; Has not been previously published as pathogenic or benign to our knowledge